The following is an entry in ClinVar:

NM_025114.4(CEP290):c.3309+225T>G

Gene: CEP290 (centrosomal protein 290; minus strand). Cytogenetic location: 12q21.32.
Variant type: single nucleotide variant.
Coding change: c.3309+225T>G on transcript NM_025114.4 (MANE Select); 225 bases into the intron after coding-DNA position 3309, T replaced by G.
Molecular consequence: intron variant.
Genome position (GRCh38, 1-based): chr12:88,093,545, A>C on the plus strand (T>G on the coding strand, the complement: CEP290 is on the minus strand). VCF-style: chr12-88093545-A-C. GRCh37 (hg19) VCF-style: chr12-88487322-A-C.
Other names: NC_000012.11:g.88487322A>C.
Identifiers: ClinVar variation 679023 (VCV000679023.2), dbSNP rs76560287, ClinGen allele CA241168256.
Genomic context (GRCh38, chr12:88,093,545, plus strand): 5'-TGTTAAATGAAGGGATGGTGGTGAAAGGCAATTCCATTGTTTAGTAAATAACATTTCATA[A>C]ATTAAATCTAATAATATAACATTGGTGAGAAAAACTTACAGAAATATCTGCTTTCCTTTT-3'

ClinVar aggregate classification (germline): Benign (1 of 4 stars; one submission).

Allele frequency attached by ClinVar (database versions not stated): gnomAD 0.03966 and 0.04257; TOPMed 0.04590; 1000 Genomes Project 0.04932; 1000 Genomes Project 30x 0.05325.
gnomAD v4.1: 7,673 of 442,542 alleles (1.7%); highest among the groups gnomAD compares: African/African-American, 14%; 463 homozygotes.

Submissions (5):

GeneDx
Classification: Benign. Last evaluated: 2018-06-16. Review status: criteria provided, single submitter. Criteria: GeneDx Variant Classification (06012015). Collection method: clinical testing. Allele origin: germline. Affected: yes.
Comment: This variant is considered likely benign or benign based on one or more of the following criteria: it is a conservative change, it occurs at a poorly conserved position in the protein, it is predicted to be benign by multiple in silico algorithms, and/or has population frequency not consistent with disease.

Dr. Peter K. Rogan Lab, Western University
No classification provided (evidence only). Condition: Uterine corpus endometrial carcinoma. Review status: no classification provided. Collection method: in vitro. Allele origin: not applicable. Functional consequence: retained intron. Not counted in ClinVar's aggregate classification.

Dr. Peter K. Rogan Lab, Western University
No classification provided (evidence only). Condition: Cervical cancer. Review status: no classification provided. Collection method: in vitro. Allele origin: not applicable. Functional consequence: retained intron. Not counted in ClinVar's aggregate classification.

Dr. Peter K. Rogan Lab, Western University
No classification provided (evidence only). Condition: Malignant tumor of esophagus. Review status: no classification provided. Collection method: in vitro. Allele origin: not applicable. Functional consequence: retained intron. Not counted in ClinVar's aggregate classification.

Dr. Peter K. Rogan Lab, Western University
No classification provided (evidence only). Condition: Malignant tumor of esophagus. Review status: no classification provided. Collection method: in vitro. Allele origin: not applicable. Functional consequence: skipped exon, retained intron. Not counted in ClinVar's aggregate classification.